The following is an entry in ClinVar:

ClinVar aggregate classification (germline): Uncertain significance (1 of 4 stars; one submission).

Conditions:
Hereditary cancer-predisposing syndrome. Also called: Hereditary neoplastic syndrome; Tumor predisposition; Hereditary Cancer Syndrome; Neoplastic Syndromes, Hereditary. Identifiers: Orphanet 140162, MedGen C0027672, MeSH D009386, MONDO:0015356.

Submission:

Ambry Genetics
Classification: Uncertain significance for Hereditary cancer-predisposing syndrome. Last evaluated: 2023-06-23. Review status: criteria provided, single submitter. Criteria: Ambry Variant Classification Scheme 2023. Collection method: clinical testing. Allele origin: germline.
Comment: The p.R1227W variant (also known as c.3679A>T), located in coding exon 15 of the APC gene, results from an A to T substitution at nucleotide position 3679. The arginine at codon 1227 is replaced by tryptophan, an amino acid with dissimilar properties. This amino acid position is conserved. In addition, in silico predictors for this gene do not accurately predict pathogenicity. Since supporting evidence is limited at this time, the clinical significance of this alteration remains unclear.

NM_000038.6(APC):c.3679A>T (p.Arg1227Trp)

Gene: APC (APC regulator of Wnt signaling pathway; plus strand). Cytogenetic location: 5q22.2.
Variant type: single nucleotide variant.
Coding change: c.3679A>T on transcript NM_000038.6 (MANE Select); coding-DNA position 3679, A replaced by T.
Protein change: p.Arg1227Trp; replaces arginine 1227 with tryptophan.
Molecular consequence: missense variant. On other transcripts: non-coding transcript variant (2).
Genome position (GRCh38, 1-based): chr5:112,839,273, A>T. VCF-style: chr5-112839273-A-T. GRCh37 (hg19) VCF-style: chr5-112174970-A-T.
Other names: c.3679A>T, p.Arg1227Trp (NM_001127510.3, NM_001354895.2, NM_001407450.1); c.3625A>T, p.Arg1209Trp (NM_001127511.3); c.3733A>T, p.Arg1245Trp (NM_001354896.2, NM_001407447.1, NM_001407448.1 and 1 more transcripts); c.3709A>T, p.Arg1237Trp (NM_001354897.2); c.3604A>T, p.Arg1202Trp (NM_001354898.2); c.3595A>T, p.Arg1199Trp (NM_001354899.2); c.3556A>T, p.Arg1186Trp (NM_001354900.2); c.3502A>T, p.Arg1168Trp (NM_001354901.2, NM_001407453.1); and 11 more; short protein forms R1126W, R1237W, R1255W, R843W, R1067W, R1101W, R1168W, R1186W.
Identifiers: ClinVar variation 2586978 (VCV002586978.2), dbSNP rs1554085225, ClinGen allele CA16029407.
Genomic context (GRCh38, chr5:112,839,273, plus strand): 5'-AAAACCGAACATATGTCTTCAAGCAGTGAGAATACGTCCACACCTTCATCTAATGCCAAG[A>T]GGCAGAATCAGCTCCATCCAAGTTCTGCACAGAGTAGAAGTGGTCAGCCTCAAAAGGCTG-3'
Protein context (NP_000029.2, residues 1217-1237): NTSTPSSNAK[Arg1227Trp]QNQLHPSSAQ